The following is an entry in ClinVar:

ClinVar aggregate classification (germline): Conflicting classifications of pathogenicity. Review status: criteria provided, conflicting classifications (1 of 4 stars). 6 submissions from 6 submitters: Uncertain significance (2); Benign (1); Likely benign (2). 1 of the submissions does not count toward it. Last evaluated 2025-08-24.

Conditions:
LAMB2-related disorder. Also called: LAMB2-related condition.
Pierson syndrome. Also called: MICROCORIA-CONGENITAL NEPHROTIC SYNDROME. Identifiers: Orphanet 2670, MedGen C1836876, MONDO:0012184, OMIM 609049.
LAMB2-related infantile-onset nephrotic syndrome. Also called: NEPHROTIC SYNDROME, TYPE 5, WITHOUT OCULAR ABNORMALITIES; NEPHROTIC SYNDROME, TYPE 5, WITH OCULAR ABNORMALITIES; Nephrotic Syndrome, type 5. Identifiers: Orphanet 306507, MedGen C3280113, MONDO:0013621, OMIM 614199.

Allele frequency attached by ClinVar (database versions not stated): gnomAD 0.00001; TOPMed 0.00004; gnomAD exomes 0.00041; 1000 Genomes Project 30x 0.00156; 1000 Genomes Project 0.00200.
gnomAD v4.1: 645 of 1,613,952 alleles (0.04%); highest among the groups gnomAD compares: South Asian, 0.66%; 7 homozygotes.

Submissions (6):

Labcorp Genetics (formerly Invitae), Labcorp
Classification: Benign for LAMB2-related infantile-onset nephrotic syndrome; Pierson syndrome. Last evaluated: 2025-08-24. Review status: criteria provided, single submitter. Criteria: Invitae Variant Classification Sherloc (09022015). Collection method: clinical testing. Allele origin: germline.

Blueprint Genetics
Classification: Likely benign. Last evaluated: 2024-09-20. Review status: criteria provided, single submitter. Criteria: ACMG Guidelines, 2015. Collection method: clinical testing. Allele origin: germline.

Mayo Clinic Laboratories, Mayo Clinic
Classification: Uncertain significance. Last evaluated: 2023-07-19. Review status: criteria provided, single submitter. Criteria: ACMG Guidelines, 2015. Collection method: clinical testing. Allele origin: germline. Observed: 1 variant allele.
Comment: BS1

GeneDx
Classification: Uncertain significance. Last evaluated: 2023-01-27. Review status: criteria provided, single submitter. Criteria: GeneDx Variant Classification Process June 2021. Collection method: clinical testing. Allele origin: germline. Affected: yes.
Comment: Reported with a second variant (phase unknown) in a patient with minimal change disease and IgA nephropathy (Lata et al., 2018); In silico analysis supports that this missense variant has a deleterious effect on protein structure/function; This variant is associated with the following publications: (PMID: 29204651)

Athena Diagnostics
Classification: Likely benign. Last evaluated: 2018-03-08. Review status: criteria provided, single submitter. Criteria: Athena Diagnostics Criteria. Collection method: clinical testing. Allele origin: germline.

PreventionGenetics, part of Exact Sciences
Classification: Likely benign for LAMB2-related condition. Last evaluated: 2021-12-29. Review status: no assertion criteria provided. Collection method: clinical testing. Allele origin: germline. Not counted in ClinVar's aggregate classification.
Comment: This variant is classified as likely benign based on ACMG/AMP sequence variant interpretation guidelines (Richards et al. 2015 PMID: 25741868, with internal and published modifications).

Literature cited by the submitters: PubMed 29204651 (cited by Mayo Clinic Laboratories, Mayo Clinic).

NM_002292.4(LAMB2):c.2669C>T (p.Thr890Ile)

Gene: LAMB2 (laminin subunit beta 2; minus strand). Cytogenetic location: 3p21.31.
Variant type: single nucleotide variant.
Coding change: c.2669C>T on transcript NM_002292.4 (MANE Select); coding-DNA position 2669, C replaced by T.
Protein change: p.Thr890Ile; replaces threonine 890 with isoleucine.
Molecular consequence: missense variant.
Genome position (GRCh38, 1-based): chr3:49,125,304, G>A on the plus strand (C>T on the coding strand, the complement: LAMB2 is on the minus strand). VCF-style: chr3-49125304-G-A. GRCh37 (hg19) VCF-style: chr3-49162737-G-A.
Other names: p.Thr890Ile; short protein forms T890I.
Identifiers: ClinVar variation 586112 (VCV000586112.16), dbSNP rs527639885, ClinGen allele CA2394255.